The following is an entry in ClinVar:

ClinVar aggregate classification (germline): Uncertain significance. Review status: criteria provided, multiple submitters, no conflicts (2 of 4 stars). 4 submissions from 4 submitters: Uncertain significance (3). 1 of the submissions does not count toward it. Last evaluated 2025-11-21.

Conditions:
Alstrom syndrome (ALMS). Identifiers: Orphanet 64, MedGen C0268425, MONDO:0008763, OMIM 203800.
Cardiovascular phenotype. Identifiers: MedGen CN230736.

Allele frequency attached by ClinVar (database versions not stated): ExAC 0.00001; gnomAD 0.00001; gnomAD exomes 0.00002; TOPMed 0.00002.
gnomAD v4.1: 16 of 1,613,496 alleles (0.00099%); highest among the groups gnomAD compares: Admixed American, 0.0017%; no homozygotes.

Submissions (4):

Labcorp Genetics (formerly Invitae), Labcorp
Classification: Uncertain significance for Alstrom syndrome. Last evaluated: 2025-11-21. Review status: criteria provided, single submitter. Criteria: Invitae Variant Classification Sherloc (09022015). Collection method: clinical testing. Allele origin: germline.
Comment: This sequence change replaces leucine, which is neutral and non-polar, with phenylalanine, which is neutral and non-polar, at codon 4127 of the ALMS1 protein (p.Leu4127Phe). This variant is present in population databases (rs746923966, gnomAD 0.003%). This variant has not been reported in the literature in individuals affected with ALMS1-related conditions. ClinVar contains an entry for this variant (Variation ID: 424587). Experimental studies and prediction algorithms are not available or were not evaluated, and the functional significance of this variant is currently unknown. In summary, the available evidence is currently insufficient to determine the role of this variant in disease. Therefore, it has been classified as a Variant of Uncertain Significance.

Ambry Genetics
Classification: Uncertain significance for Cardiovascular phenotype. Last evaluated: 2022-09-29. Review status: criteria provided, single submitter. Criteria: Ambry Variant Classification Scheme 2023. Collection method: clinical testing. Allele origin: germline.
Comment: The p.L4127F variant (also known as c.12379C>T), located in coding exon 22 of the ALMS1 gene, results from a C to T substitution at nucleotide position 12379. The leucine at codon 4127 is replaced by phenylalanine, an amino acid with highly similar properties. This amino acid position is highly conserved in available vertebrate species. In addition, the in silico prediction for this alteration is inconclusive. Since supporting evidence is limited at this time, the clinical significance of this alteration remains unclear.

GeneDx
Classification: Uncertain significance. Last evaluated: 2017-03-28. Review status: criteria provided, single submitter. Criteria: GeneDx Variant Classification (06012015). Collection method: clinical testing. Allele origin: germline. Affected: yes.
Comment: A variant of uncertain significance has been identified in the ALMS1 gene. The L4127F variant has not been published as pathogenic or been reported as benign to our knowledge. This variant is not observed at a significant frequency in large population cohorts (Lek et al., 2016; 1000 Genomes Consortium et al., 2015; Exome Variant Server). The L4127F substitution occurs at a position that is conserved across species. Additionally, in silico analysis predicts this variant is probably damaging to the protein structure/function. Nevertheless, the L4127F variant is a conservative amino acid substitution, which is not likely to impact secondary protein structure as these residues share similar properties.

Natera, Inc.
Classification: Uncertain significance for Alstrom syndrome. Last evaluated: 2021-03-02. Review status: no assertion criteria provided. Collection method: clinical testing. Allele origin: germline. Not counted in ClinVar's aggregate classification.

NM_001378454.1(ALMS1):c.12376C>T (p.Leu4126Phe)

Gene: ALMS1 (ALMS1 centrosome and basal body associated protein; plus strand). Cytogenetic location: 2p13.1.
Variant type: single nucleotide variant.
Coding change: c.12376C>T on transcript NM_001378454.1 (MANE Select); coding-DNA position 12376, C replaced by T.
Protein change: p.Leu4126Phe; replaces leucine 4126 with phenylalanine.
Molecular consequence: missense variant.
Genome position (GRCh38, 1-based): chr2:73,608,488, C>T. VCF-style: chr2-73608488-C-T. GRCh37 (hg19) VCF-style: chr2-73835615-C-T.
Other names: c.12379C>T, p.Leu4127Phe (NM_015120.4); short protein forms L4127F, L4126F.
Identifiers: ClinVar variation 424587 (VCV000424587.9), dbSNP rs746923966, ClinGen allele CA1715567.
Genomic context (GRCh38, chr2:73,608,488, plus strand): 5'-CTGGTAACCTCCCCGATTTCTGTCCTTTCACTGGTGCCATTTCTAAGGATTTATGAGCAG[C>T]TTCCAGAAGTACAGAAAAAGAGAGAAGAAGAGAAGAGAAAATCAGAATATAAGTCATACC-3'
Protein context (NP_001365383.1, residues 4116-4136): IQRSKRIYEQ[Leu4126Phe]PEVQKKREEE